The following is an entry in ClinVar:

NM_174936.4(PCSK9):c.1337C>T (p.Pro446Leu)

Gene: PCSK9 (proprotein convertase subtilisin/kexin type 9; plus strand). Cytogenetic location: 1p32.3.
Variant type: single nucleotide variant.
Coding change: c.1337C>T on transcript NM_174936.4 (MANE Select); coding-DNA position 1337, C replaced by T.
Protein change: p.Pro446Leu; replaces proline 446 with leucine.
Molecular consequence: missense variant. On other transcripts: non-coding transcript variant (5), intron variant (2).
Genome position (GRCh38, 1-based): chr1:55,058,192, C>T. VCF-style: chr1-55058192-C-T. GRCh37 (hg19) VCF-style: chr1-55523865-C-T.
Other names: c.1460C>T, p.Pro487Leu (NM_001407240.1); c.1337C>T, p.Pro446Leu (NM_001407241.1); c.1340C>T, p.Pro447Leu (NM_001407242.1); c.1280C>T, p.Pro427Leu (NM_001407243.1); c.1145C>T, p.Pro382Leu (NM_001407245.1); c.962C>T, p.Pro321Leu (NM_001407246.1); c.1181-307C>T (NM_001407244.1); c.1180+678C>T (NM_001407247.1); short protein forms P427L, P382L, P321L, P446L, P447L, P487L.
Identifiers: ClinVar variation 2774057 (VCV002774057.5), dbSNP rs1458523433, ClinGen allele CA340477598.

ClinVar aggregate classification (germline): Uncertain significance. Review status: criteria provided, multiple submitters, no conflicts (2 of 4 stars). 3 submissions from 3 submitters: Uncertain significance (3). Last evaluated 2025-04-14.

Conditions:
Hypercholesterolemia, autosomal dominant, 3 (FHCL3). Also called: Familial Hypercholesterolemia, Autosomal Dominant, 3; PCSK9-Related Familial Hypercholesterolemia, Autosomal Dominant; Familial hypercholesterolemia 3. Identifiers: MedGen C1863551, MONDO:0011369, OMIM 603776.
Familial hypercholesterolemia. Also called: Familial hypercholesterolemias; Familial hypercholesterolaemia. Identifiers: MedGen C0020445, MONDO:0005439.

Allele frequency attached by ClinVar (database versions not stated): gnomAD exomes 0.00001.
gnomAD v4.1: 4 of 1,613,090 alleles (0.00025%); highest among the groups gnomAD compares: Non-Finnish European, 0.00034%; no homozygotes.

Submissions (3):

Labcorp Genetics (formerly Invitae), Labcorp
Classification: Uncertain significance for Hypercholesterolemia, autosomal dominant, 3. Last evaluated: 2025-04-14. Review status: criteria provided, single submitter. Criteria: Invitae Variant Classification Sherloc (09022015). Collection method: clinical testing. Allele origin: germline.
Comment: This sequence change replaces proline, which is neutral and non-polar, with leucine, which is neutral and non-polar, at codon 446 of the PCSK9 protein (p.Pro446Leu). This variant is present in population databases (no rsID available, gnomAD 0.002%). This variant has not been reported in the literature in individuals affected with PCSK9-related conditions. ClinVar contains an entry for this variant (Variation ID: 2774057). Invitae Evidence Modeling of protein sequence and biophysical properties (such as structural, functional, and spatial information, amino acid conservation, physicochemical variation, residue mobility, and thermodynamic stability) indicates that this missense variant is not expected to disrupt PCSK9 protein function with a negative predictive value of 80%. In summary, the available evidence is currently insufficient to determine the role of this variant in disease. Therefore, it has been classified as a Variant of Uncertain Significance.

All of Us Research Program, National Institutes of Health
Classification: Uncertain significance for Hypercholesterolemia, autosomal dominant, 3. Last evaluated: 2024-05-14. Review status: criteria provided, single submitter. Criteria: ACMG Guidelines, 2015. Collection method: clinical testing. Allele origin: germline. Inheritance: Autosomal dominant inheritance. Observed: 3 variant alleles, 3 heterozygotes.
Comment: This missense variant replaces proline with leucine at codon 446 of the PCSK9 protein. Computational prediction suggests that this variant may not impact protein structure and function (internally defined REVEL score threshold <= 0.5, PMID: 27666373). To our knowledge, functional studies have not been reported for this variant. This variant has not been reported in individuals affected with PCSK9-related disorders in the literature. This variant has been identified in 2/249198 chromosomes in the general population by the Genome Aggregation Database (gnomAD). The available evidence is insufficient to determine the role of this variant in disease conclusively. Therefore, this variant is classified as a Variant of Uncertain Significance.

This study involves interpretation of variants in research participants for the purpose of population health screening. Participant phenotype was not available at the time of variant classification. Additional details can be found in publication PMID: 35346344, PMCID: PMC8962531

Color Diagnostics, LLC DBA Color Health
Classification: Uncertain significance for Familial hypercholesterolemia. Last evaluated: 2024-04-18. Review status: criteria provided, single submitter. Criteria: ACMG Guidelines, 2015. Collection method: clinical testing. Allele origin: germline.
Comment: This missense variant replaces proline with leucine at codon 446 of the PCSK9 protein. Computational prediction tools indicate that this variant has a neutral impact on protein structure and function. To our knowledge, functional studies have not been reported for this variant. This variant has not been reported in individuals affected with PCSK9-related disorders in the literature. This variant has been identified in 2/249198 chromosomes in the general population by the Genome Aggregation Database (gnomAD). The available evidence is insufficient to determine the role of this variant in disease conclusively. Therefore, this variant is classified as a Variant of Uncertain Significance.